The following is an entry in ClinVar:

NM_014159.7(SETD2):c.1175C>A (p.Ser392Tyr)

Gene: SETD2 (SET domain containing 2, histone lysine methyltransferase; minus strand). Cytogenetic location: 3p21.31.
Variant type: single nucleotide variant.
Coding change: c.1175C>A on transcript NM_014159.7 (MANE Select); coding-DNA position 1175, C replaced by A.
Protein change: p.Ser392Tyr; replaces serine 392 with tyrosine.
Molecular consequence: missense variant. On other transcripts: non-coding transcript variant (1).
Genome position (GRCh38, 1-based): chr3:47,123,461, G>T on the plus strand (C>A on the coding strand, the complement: SETD2 is on the minus strand). VCF-style: chr3-47123461-G-T. GRCh37 (hg19) VCF-style: chr3-47164951-G-T.
Other names: c.1043C>A, p.Ser348Tyr (NM_001349370.3); short protein forms S392Y, S348Y.
Identifiers: ClinVar variation 5009172 (VCV005009172.1).

ClinVar aggregate classification (germline): Uncertain significance (1 of 4 stars; one submission).

Submission:

GeneDx
Classification: Uncertain significance. Last evaluated: 2026-03-20. Review status: criteria provided, single submitter. Criteria: GeneDx Variant Classification Process June 2021. Collection method: clinical testing. Allele origin: germline.
Comment: Not observed at significant frequency in large population cohorts (gnomAD); In silico analysis supports that this missense variant has a deleterious effect on protein structure/function; Has not been previously published as pathogenic or benign to our knowledge